The following is an entry in ClinVar:

ClinVar aggregate classification (germline): Uncertain significance (1 of 4 stars; one submission).

Allele frequency attached by ClinVar (database versions not stated): gnomAD exomes 0.00001 and 0.00006; ExAC 0.00002; gnomAD 0.00003 and 0.00004.

Submission:

Labcorp Genetics (formerly Invitae), Labcorp
Classification: Uncertain significance. Last evaluated: 2025-08-12. Review status: criteria provided, single submitter. Criteria: Invitae Variant Classification Sherloc (09022015). Collection method: clinical testing. Allele origin: germline.
Comment: This sequence change replaces arginine, which is basic and polar, with histidine, which is basic and polar, at codon 526 of the MTMR14 protein (p.Arg526His). This variant is present in population databases (rs756780172, gnomAD 0.03%). This variant has not been reported in the literature in individuals affected with MTMR14-related conditions. ClinVar contains an entry for this variant (Variation ID: 1494033). An algorithm developed to predict the effect of missense changes on protein structure and function (PolyPhen-2) suggests that this variant is likely to be disruptive. In summary, the available evidence is currently insufficient to determine the role of this variant in disease. Therefore, it has been classified as a Variant of Uncertain Significance.

NM_001077525.3(MTMR14):c.1913G>A (p.Arg638His)

Gene: MTMR14 (myotubularin related protein 14; plus strand). Cytogenetic location: 3p25.3.
Variant type: single nucleotide variant.
Coding change: c.1913G>A on transcript NM_001077525.3 (MANE Select); coding-DNA position 1913, G replaced by A.
Protein change: p.Arg638His; replaces arginine 638 with histidine.
Molecular consequence: missense variant.
Genome position (GRCh38, 1-based): chr3:9,701,933, G>A. VCF-style: chr3-9701933-G-A. GRCh37 (hg19) VCF-style: chr3-9743617-G-A.
Other names: c.1757G>A, p.Arg586His (NM_001077526.3); c.1577G>A, p.Arg526His (NM_022485.5); short protein forms R526H, R638H, R586H.
Identifiers: ClinVar variation 1494033 (VCV001494033.6), dbSNP rs756780172, ClinGen allele CA2240916.
Genomic context (GRCh38, chr3:9,701,933, plus strand): 5'-TTCGGGCAGTAGCCCCCAGTCCTTCCGGTGCCATCGGGGGCCTGCTGGAGCAATTTGCCC[G>A]TGGTGTTGGACTCCGGAGCATCAGCAGCAATGCCTTGTGAAGAAGCCAGCCCATGACATT-3'
Protein context (NP_001070993.1, residues 628-648): AIGGLLEQFA[Arg638His]GVGLRSISSN